The following is an entry in ClinVar:

ClinVar aggregate classification (germline): Conflicting classifications of pathogenicity. Review status: criteria provided, conflicting classifications (1 of 4 stars). 10 submissions from 10 submitters: Pathogenic (1); Uncertain significance (8); Likely benign (1). Last evaluated 2026-10-01.

Conditions:
SDHA-related disorder. Also called: SDHA-related disorders; SDHA-related condition.
Hereditary cancer-predisposing syndrome. Also called: Hereditary neoplastic syndrome; Hereditary Cancer Syndrome; Neoplastic Syndromes, Hereditary; Tumor predisposition. Identifiers: Orphanet 140162, MedGen C0027672, MeSH D009386, MONDO:0015356.
Mitochondrial complex II deficiency, nuclear type 1. Also called: SUCCINATE CoQ REDUCTASE DEFICIENCY. Identifiers: Orphanet 3208, MedGen C5700310, MONDO:0100294, OMIM 252011.
Pheochromocytoma/paraganglioma syndrome 5. Also called: Paragangliomas 5; SDHA-Related Hereditary Paraganglioma-Pheochromocytoma Syndrome. Identifiers: Orphanet 29072, MedGen C3279992, MONDO:0013602, OMIM 614165.
Dilated cardiomyopathy 1GG (CMD1GG). Identifiers: Orphanet 154, MedGen C3150898, MONDO:0013339, OMIM 613642.
Intellectual disability. Also called: intellectual disabilities; Intellectual functioning disability; Intellectual developmental disorder. Identifiers: MedGen C3714756, MeSH D008607, MONDO:0001071, HP:0001249.

Allele frequency attached by ClinVar (database versions not stated): ExAC 0.00015; gnomAD 0.00009; gnomAD exomes 0.00009 and 0.00010; TOPMed 0.00006; ESP Exome Variant Server 0.00008.
gnomAD v4.1: 157 of 1,613,836 alleles (0.0097%); highest among the groups gnomAD compares: Non-Finnish European, 0.013%; no homozygotes.

Submissions (11):

St. Jude Molecular Pathology, St. Jude Children's Research Hospital
Classification: Uncertain significance for Pheochromocytoma/paraganglioma syndrome 5. Last evaluated: 2026-10-01. Review status: criteria provided, single submitter. Criteria: St. Jude Assertion Criteria 2020. Collection method: clinical testing. Allele origin: germline.
Comment: The SDHA c.1751C>T p.(Ala584Val) missense change has a maximum subpopulation frequency of 0.02% in gnomAD v2.1.1. The in silico tool REVEL predicts a predicts a deleterious effect on protein function, but to our knowledge this prediction has not been confirmed by functional studies. Algorithms that predict the impact of sequence cha nges on splicing indicate that this change may impact splicing but to our knowledge these predictions have not been confirmed by RNA studies. This variant has been reported in an individual with paraganglioma, who also carried a pathogenic variant in SDH B (PMID: 35546442). In summary, the evidence currently available is insufficient to determine the clinical significance of this variant. It has therefore been classified as of uncertain significance (VUS-Low).

PreventionGenetics, part of Exact Sciences
Classification: Uncertain significance for SDHA-related condition. Last evaluated: 2026-09-04. Review status: criteria provided, single submitter. Criteria: ACMG Guidelines, 2015. Collection method: clinical testing. Allele origin: germline.
Comment: The SDHA c.1751C>T variant is predicted to result in the amino acid substitution p.Ala584Val. This variant has been reported in an individual with renal cell carcinoma (Fig 5 and Table S13, Han et al. 2024. PubMed ID: 38496821). It has also been reported along with an alternate pathogenic variant in SDHB in an individual with paraganglioma (Table S1, Ding et al. 2022. PubMed ID: 35546442). It is predicted to activate a cryptic splice donor site in exon 13 based on available splicing prediction programs (SpliceAI, Jaganathan et al. 2019. PubMed ID: 30661751) and sequencing of patient mRNA demonstrated a clear pattern of aberrant splicing (Han et al. 2024. PubMed ID: 38496821). An alternate substitution of this amino acid (p.Ala584Thr) has been reported with uncertain significance in a cohort of individuals with breast cancer (McDonald et al. 2022. PubMed ID: 36315513). This variant is reported in 0.021% of alleles in individuals of European (non-Finnish) descent in gnomAD, and has conflicting interpretations of pathogenicity in ClinVar ranging from likely benign to pathogenic (Variation ID: 239657). At this time, the clinical significance of this variant is uncertain due to the absence of conclusive functional and genetic evidence.

GeneDx
Classification: Pathogenic. Last evaluated: 2026-05-11. Review status: criteria provided, single submitter. Criteria: GeneDx Variant Classification Process June 2021. Collection method: clinical testing. Allele origin: germline.
Comment: In silico analysis supports a deleterious effect on splicing; While this variant is considered pathogenic for autosomal recessive Complex II deficiency, its association with autosomal dominant Hereditary Paraganglioma/Pheochromocytoma syndrome is unclear; Observed in a patient with paraganglioma; this patient also had a variant in the SDHB gene with loss of SDHB expression in the tumor (PMID: 35546442); This variant is associated with the following publications: (PMID: 30680959, 28546994, 35546442, 38496821, 39788962, 31275557, 38473309)

Labcorp Genetics (formerly Invitae), Labcorp
Classification: Uncertain significance for Pheochromocytoma/paraganglioma syndrome 5; Mitochondrial complex II deficiency, nuclear type 1. Last evaluated: 2026-01-30. Review status: criteria provided, single submitter. Criteria: Invitae Variant Classification Sherloc (09022015). Collection method: clinical testing. Allele origin: germline.
Comment: This sequence change replaces alanine, which is neutral and non-polar, with valine, which is neutral and non-polar, at codon 584 of the SDHA protein (p.Ala584Val). RNA analysis indicates that this missense change induces altered splicing and likely results in the loss of 15 amino acid residue(s), but is expected to preserve the integrity of the reading-frame. This variant is present in population databases (rs201068049, gnomAD 0.02%). This variant has not been reported in the literature in individuals affected with SDHA-related conditions. ClinVar contains an entry for this variant (Variation ID: 239657). Invitae Evidence Modeling of protein sequence and biophysical properties (such as structural, functional, and spatial information, amino acid conservation, physicochemical variation, residue mobility, and thermodynamic stability) indicates that this missense variant is not expected to disrupt SDHA protein function with a negative predictive value of 95%. Studies have shown that this missense change results in the activation of a cryptic splice site in exon 13 (internal data). In summary, the available evidence is currently insufficient to determine the role of this variant in disease. Therefore, it has been classified as a Variant of Uncertain Significance.

Ambry Genetics
Classification: Uncertain significance for Hereditary cancer-predisposing syndrome. Last evaluated: 2025-09-02. Review status: criteria provided, single submitter. Criteria: Ambry Variant Classification Scheme 2023. Collection method: clinical testing. Allele origin: germline.
Comment: The c.1751C>T variant (also known as p.A584V), located in coding exon 13 of the SDHA gene, results from a C to T substitution at nucleotide position 1751. The alanine at codon 584 is replaced by valine, an amino acid with similar properties. This nucleotide position is well conserved in available vertebrate species. In silico splice site analysis predicts that this alteration will result in the creation or strengthening of a novel splice donor site. RNA studies have demonstrated that this alteration results in an incomplete splice defect; the clinical impact of this abnormal splicing is unknown at this time (Ambry internal data). In addition, this variant has been detected in multiple heterozygous and homozygous individuals with no reported features of SDHA-associated disease (Ambry internal data). Since supporting evidence is conflicting at this time, the clinical significance of this alteration remains unclear.

Quest Diagnostics Nichols Institute San Juan Capistrano
Classification: Uncertain significance. Last evaluated: 2025-08-15. Review status: criteria provided, single submitter. Criteria: Quest Diagnostics criteria. Collection method: clinical testing. Allele origin: unknown.
Comment: The SDHA c.1751C>T (p.Ala584Val) variant has been reported in the published literature in individuals with paraganglioma (PGL) (PMID: 35546442 (2022)), renal cell carcinoma (PMID: 38496821 (2024)), and in a reportedly unaffected individual (PMID: 38473309 (2024)). The frequency of this variant in the general population (Genome Aggregation Database) is uninformative in the assessment of its pathogenicity. Analysis of this variant using bioinformatics tools for the prediction of the effect of amino acid changes on protein structure and function yielded conflicting predictions that this variant is deleterious or benign. Additional analysis using software algorithms for the prediction of the effect of nucleotide changes on SDHA mRNA splicing yielded predictions that this variant may result in the gain of a cryptic splice site without affecting the natural splice sites. Based on the available information, we are unable to determine the clinical significance of this variant.

Myriad Genetics, Inc.
Classification: Likely benign for Pheochromocytoma/paraganglioma syndrome 5. Last evaluated: 2025-03-11. Review status: criteria provided, single submitter. Criteria: Myriad Autosomal Dominant, Autosomal Recessive and X-Linked Classification Criteria (2023). Collection method: clinical testing. Allele origin: unknown.
Comment: This variant is considered likely benign. This variant has been observed at a population frequency that is significantly greater than expected given the associated disease prevalence and penetrance.

Baylor Genetics
Classification: Uncertain significance for Dilated cardiomyopathy 1GG. Last evaluated: 2024-03-04. Review status: criteria provided, single submitter. Criteria: ACMG Guidelines, 2015. Collection method: clinical testing. Allele origin: unknown.

Women's Health and Genetics/Laboratory Corporation of America, LabCorp
Classification: Uncertain significance. Last evaluated: 2024-02-20. Review status: criteria provided, single submitter. Criteria: LabCorp Variant Classification Summary - May 2015. Collection method: clinical testing. Allele origin: germline.
Comment: Variant summary: SDHA c.1751C>T (p.Ala584Val) results in a non-conservative amino acid change located in the C-terminal domain (IPR015939) of the encoded protein sequence. Three of five in-silico tools predict a damaging effect of the variant on protein function. Additionally, several computational tools predict a significant impact on normal splicing: Three predict the variant creates a 5' donor site. However, these predictions have yet to be confirmed by functional studies. The variant allele was found at a frequency of 9.2e-05 in 251008 control chromosomes (gnomAD). The available data on variant occurrences in the general population are insufficient to allow any conclusion about variant significance. c.1751C>T has been reported in the literature in at least one individual affected with paraganglioma (e.g., Ding_2022), however, the variant was found to co-occur with another pathogenic variant (SDHB c.3G>A, p.M1I), providing supporting evidence for a benign role. This report therefore does not provide unequivocal conclusions about association of the variant with SDHA-related disease. To our knowledge, no experimental evidence demonstrating an impact on protein function has been reported. The following publication was ascertained in the context of this evaluation (PMID: 35546442). ClinVar contains an entry for this variant (Variation ID: 239657). Based on the evidence outlined above, the variant was classified as uncertain significance.

Cambridge Genomics Laboratory, East Genomic Laboratory Hub, NHS Genomic Medicine Service
Classification: Uncertain significance for Intellectual disability. Last evaluated: 2020-01-13. Review status: criteria provided, single submitter. Criteria: ACGS Best Practice Guidelines for Variant Classification in Rare Disease 2020. Collection method: clinical testing. Allele origin: germline. Affected: yes. Observed: 1 variant allele.

Dr. Peter K. Rogan Lab, Western University
No classification provided (evidence only). Condition: Sarcoma. Review status: no classification provided. Collection method: in vitro. Allele origin: not applicable. Functional consequence: retained intron. Not counted in ClinVar's aggregate classification.

Literature cited by the submitters: PubMed 38496821 (cited by Quest Diagnostics Nichols Institute San Juan Capistrano); PubMed 35546442 (cited by Quest Diagnostics Nichols Institute San Juan Capistrano and Women's Health and Genetics/Laboratory Corporation of America, LabCorp); PubMed 38473309 (cited by Quest Diagnostics Nichols Institute San Juan Capistrano).

NM_004168.4(SDHA):c.1751C>T (p.Ala584Val)

Gene: SDHA (succinate dehydrogenase complex flavoprotein subunit A; plus strand). Cytogenetic location: 5p15.33.
Variant type: single nucleotide variant.
Coding change: c.1751C>T on transcript NM_004168.4 (MANE Select); coding-DNA position 1751, C replaced by T.
Protein change: p.Ala584Val; replaces alanine 584 with valine.
Molecular consequence: missense variant. On other transcripts: intron variant (1).
Genome position (GRCh38, 1-based): chr5:251,425, C>T. VCF-style: chr5-251425-C-T. GRCh37 (hg19) VCF-style: chr5-251540-C-T.
Other names: c.1607C>T, p.Ala536Val (NM_001294332.2); c.1552-2968C>T (NM_001330758.2); short protein forms A584V, A536V.
Identifiers: ClinVar variation 239657 (VCV000239657.36), dbSNP rs201068049, ClinGen allele CA3173347.